The following is an entry in ClinVar:

ClinVar aggregate classification (germline): Uncertain significance. Review status: criteria provided, multiple submitters, no conflicts (2 of 4 stars). 2 submissions from 2 submitters: Uncertain significance (2). Last evaluated 2025-10-02.

Conditions:
Age related macular degeneration 4. Identifiers: MedGen C1853147, MONDO:0012540, OMIM 610698.

gnomAD v4.1: 1 of 1,613,010 alleles (0.000062%); highest among the groups gnomAD compares: Middle Eastern, 0.017%; no homozygotes.

Submissions (2):

Genomenon, Inc
Classification: Uncertain significance for Age related macular degeneration 4. Last evaluated: 2025-10-02. Review status: criteria provided, single submitter. Criteria: Genomenon Sequence Variant Interpretation Standards - Updated. Collection method: curation. Allele origin: germline. Affected: yes.
Comment: CFH p.Glu541Gly (c.1622A>G) is a missense variant that changes the amino acid at residue 541 from Glutamic acid to Glycine. This variant has been observed in at least one proband affected with age-related macular degeneration (PMID:35925583). It is absent or not present at a significant frequency in gnomAD. In conclusion, we classify CFH p.Glu541Gly (c.1622A>G) as a variant of uncertain significance.

Labcorp Genetics (formerly Invitae), Labcorp
Classification: Uncertain significance. Last evaluated: 2023-10-22. Review status: criteria provided, single submitter. Criteria: Invitae Variant Classification Sherloc (09022015). Collection method: clinical testing. Allele origin: germline.
Comment: This sequence change replaces glutamic acid, which is acidic and polar, with glycine, which is neutral and non-polar, at codon 541 of the CFH protein (p.Glu541Gly). This variant is not present in population databases (gnomAD no frequency). This missense change has been observed in individual(s) with macular degeneration (PMID: 35925583). ClinVar contains an entry for this variant (Variation ID: 1383607). An algorithm developed to predict the effect of missense changes on protein structure and function (PolyPhen-2) suggests that this variant is likely to be tolerated. In summary, the available evidence is currently insufficient to determine the role of this variant in disease. Therefore, it has been classified as a Variant of Uncertain Significance.

Literature cited by the submitters: PubMed 35925583 (cited by Genomenon, Inc and Labcorp Genetics (formerly Invitae), Labcorp).

NM_000186.4(CFH):c.1622A>G (p.Glu541Gly)

Gene: CFH (complement factor H; plus strand). Cytogenetic location: 1q31.3.
Variant type: single nucleotide variant.
Coding change: c.1622A>G on transcript NM_000186.4 (MANE Select); coding-DNA position 1622, A replaced by G.
Protein change: p.Glu541Gly; replaces glutamic acid 541 with glycine.
Molecular consequence: missense variant.
Genome position (GRCh38, 1-based): chr1:196,715,695, A>G. VCF-style: chr1-196715695-A-G. GRCh37 (hg19) VCF-style: chr1-196684825-A-G.
Other names: short protein forms E541G.
Identifiers: ClinVar variation 1383607 (VCV001383607.7), dbSNP rs2149103733, ClinGen allele CA343983372.